The following is an entry in ClinVar:

NM_004316.4(ASCL1):c.151CAG[16] (p.Gln62_Ala63insGlnGlnGlnGln)

Genes: ASCL1 (achaete-scute family bHLH transcription factor 1; plus strand), PAH (phenylalanine hydroxylase; minus strand). Cytogenetic location: 12q23.2.
Variant type: Microsatellite.
Coding change: c.151CAG[16] on transcript NM_004316.4 (MANE Select); 16 copies in a row of the 3-base unit CAG starting at c.151; the reference has 12 copies in a row; four copies, 12 bases duplicated.
Protein change: p.Gln62_Ala63insGlnGlnGlnGln.
Molecular consequence: inframe insertion. On other transcripts: 5 prime UTR variant (1).
Genome position (GRCh38, 1-based): chr12:102,958,419-102,958,430, CAGCAGCAGCAG duplicated; duplicating any 12 consecutive bases within chr12:102,958,394-102,958,430 gives the same sequence; the position shown is the placement nearest the transcript's 3' end. VCF-style (leftmost placement, unchanged base first): chr12-102958393-C-CGCAGCAGCAGCA. GRCh37 (hg19) VCF-style: chr12-103352171-C-CGCAGCAGCAGCA.
Other names: p.Gln59_Gln62dup; c.175_186dup12 (NM_004316.3); c.-330TGC[16] (NM_001354304.2).
Identifiers: ClinVar variation 228442 (VCV000228442.17), dbSNP rs3832799, ClinGen allele CA6749124.

ClinVar aggregate classification (germline): Conflicting classifications of pathogenicity. Review status: criteria provided, conflicting classifications (1 of 4 stars). 5 submissions from 5 submitters: Uncertain significance (1); Benign (1). 3 of the submissions do not count toward it. Last evaluated 2015-09-14.

Conditions:
ASCL1-related disorder. Also called: ASCL1-related condition.

Submissions (5):

Eurofins Ntd Llc (ga)
Classification: Benign. Last evaluated: 2015-09-14. Review status: criteria provided, single submitter. Criteria: EGL Classification Definitions. Collection method: clinical testing. Allele origin: germline. Observed: 1 variant allele, 1 heterozygote.

Laboratory for Molecular Medicine, Mass General Brigham Personalized Medicine
Classification: Uncertain significance. Last evaluated: 2014-09-25. Review status: criteria provided, single submitter. Criteria: LMM Criteria. Collection method: clinical testing. Allele origin: germline. Observed: 1 variant allele.
Comment: Variant classified as Uncertain Significance - Favor Benign. The Gln51[16] varia nt in ASCL1 (alternate gene names: MASH1 or HASH1) represents one of several all eles of a poly-glutamine tract of variable length. The Gln51[12] allele represen ts the reference sequence (hg19). This variant has not been previously reported in individuals with pulmonary disease, but has been reported in 0.7% (11/1604) o f Japanese control chromosomes (Ide 2005). Computational prediction tools and co nservation analysis are limited or unavailable for this variant. In summary, whi le the clinical significance of the Gln51[16] variant is uncertain, its frequenc y suggests that it is more likely to be benign.

PreventionGenetics, part of Exact Sciences
Classification: Likely benign for ASCL1-related condition. Last evaluated: 2020-07-01. Review status: no assertion criteria provided. Collection method: clinical testing. Allele origin: germline. Not counted in ClinVar's aggregate classification.
Comment: This variant is classified as likely benign based on ACMG/AMP sequence variant interpretation guidelines (Richards et al. 2015 PMID: 25741868, with internal and published modifications).

Clinical Genetics DNA and cytogenetics Diagnostics Lab, Erasmus MC, Erasmus Medical Center
Classification: Benign. Review status: no assertion criteria provided. Collection method: clinical testing. Allele origin: germline. Affected: yes. Study: VKGL Data-share Consensus. Not counted in ClinVar's aggregate classification.

Diagnostic Laboratory, Department of Genetics, University Medical Center Groningen
Classification: Benign. Review status: no assertion criteria provided. Collection method: clinical testing. Allele origin: germline. Affected: yes. Study: VKGL Data-share Consensus. Not counted in ClinVar's aggregate classification.

Literature cited by the submitters: PubMed 16021468 (cited by Laboratory for Molecular Medicine, Mass General Brigham Personalized Medicine); PubMed 20097173 (cited by Laboratory for Molecular Medicine, Mass General Brigham Personalized Medicine).